The following is an entry in ClinVar:

ClinVar aggregate classification (germline): Uncertain significance (1 of 4 stars; one submission).

Conditions:
Cenani-Lenz syndactyly syndrome. Also called: CENANI SYNDACTYLISM; SYNDACTYLY, TYPE VII. Identifiers: Orphanet 3258, MedGen C1859309, MONDO:0008931, OMIM 212780.
Sclerosteosis 2 (SOST2). Identifiers: Orphanet 3152, MedGen C3280402, MONDO:0013679, OMIM 614305.
Congenital myasthenic syndrome 17. Identifiers: Orphanet 590, MedGen C4225377, MONDO:0014578, OMIM 616304.

Submission:

Labcorp Genetics (formerly Invitae), Labcorp
Classification: Uncertain significance for Cenani-Lenz syndactyly syndrome; Sclerosteosis 2; Congenital myasthenic syndrome 17. Last evaluated: 2024-09-01. Review status: criteria provided, single submitter. Criteria: Invitae Variant Classification Sherloc (09022015). Collection method: clinical testing. Allele origin: germline.
Comment: This sequence change replaces alanine, which is neutral and non-polar, with valine, which is neutral and non-polar, at codon 608 of the LRP4 protein (p.Ala608Val). This variant is not present in population databases (gnomAD no frequency). This variant has not been reported in the literature in individuals affected with LRP4-related conditions. Invitae Evidence Modeling of protein sequence and biophysical properties (such as structural, functional, and spatial information, amino acid conservation, physicochemical variation, residue mobility, and thermodynamic stability) indicates that this missense variant is not expected to disrupt LRP4 protein function with a negative predictive value of 80%. In summary, the available evidence is currently insufficient to determine the role of this variant in disease. Therefore, it has been classified as a Variant of Uncertain Significance.

NM_002334.4(LRP4):c.1823C>T (p.Ala608Val)

Gene: LRP4 (LDL receptor related protein 4; minus strand). Cytogenetic location: 11p11.2.
Variant type: single nucleotide variant.
Coding change: c.1823C>T on transcript NM_002334.4 (MANE Select); coding-DNA position 1823, C replaced by T.
Protein change: p.Ala608Val; replaces alanine 608 with valine.
Molecular consequence: missense variant.
Genome position (GRCh38, 1-based): chr11:46,890,369, G>A on the plus strand (C>T on the coding strand, the complement: LRP4 is on the minus strand). VCF-style: chr11-46890369-G-A. GRCh37 (hg19) VCF-style: chr11-46911920-G-A.
Other names: short protein forms A608V.
Identifiers: ClinVar variation 3752978 (VCV003752978.2).
Genomic context (GRCh38, chr11:46,890,369, plus strand): 5'-TCCAGATTGGCCCTCTCGATGACATGGTGCTTAGCATCCACCCAGTACATACGGCGCCCG[G>A]CATAGTCGATGGTGAGGCCATTGGGCCAGAAGAGATGGGTATCGGCAATGATGCGGCGTC-3'
Protein context (NP_002325.2, residues 598-618): FWPNGLTIDY[Ala608Val]GRRMYWVDAK